The following is an entry in ClinVar:

NM_002432.3(MNDA):c.132C>G (p.Asn44Lys)

Gene: MNDA (myeloid cell nuclear differentiation antigen; plus strand). Cytogenetic location: 1q23.1.
Variant type: single nucleotide variant.
Coding change: c.132C>G on transcript NM_002432.3 (MANE Select); coding-DNA position 132, C replaced by G.
Protein change: p.Asn44Lys; replaces asparagine 44 with lysine.
Molecular consequence: missense variant.
Genome position (GRCh38, 1-based): chr1:158,842,285, C>G. VCF-style: chr1-158842285-C-G. GRCh37 (hg19) VCF-style: chr1-158812075-C-G.
Other names: short protein forms N44K.
Identifiers: ClinVar variation 2625383 (VCV002625383.2), dbSNP rs2526075061, ClinGen allele CA343036835.

ClinVar aggregate classification (germline): Uncertain significance (1 of 4 stars; one submission).

Submission:

Ambry Genetics
Classification: Uncertain significance. Last evaluated: 2023-07-16. Review status: criteria provided, single submitter. Criteria: Ambry Variant Classification Scheme 2023. Collection method: clinical testing. Allele origin: germline.
Comment: The p.N44K variant (also known as c.132C>G), located in coding exon 1 of the MNDA gene, results from a C to G substitution at nucleotide position 132. The asparagine at codon 44 is replaced by lysine, an amino acid with similar properties. This amino acid position is conserved. In addition, this alteration is predicted to be tolerated by in silico analysis. Since supporting evidence is limited at this time, the clinical significance of this alteration remains unclear.